The following is an entry in ClinVar:

ClinVar aggregate classification (germline): Conflicting classifications of pathogenicity. Review status: criteria provided, conflicting classifications (1 of 4 stars). 2 submissions from 2 submitters: Likely pathogenic (1); Uncertain significance (1). Last evaluated 2022-11-29.

Conditions:
Inclusion body myopathy with Paget disease of bone and frontotemporal dementia. Also called: Inclusion body myopathy with early-onset Paget disease and frontotemporal dementia. Identifiers: Orphanet 52430, MedGen C1833662, MONDO:0000507.
Frontotemporal dementia and/or amyotrophic lateral sclerosis 6 (FTDALS6). Also called: VCP-Related Amyotrophic Lateral Sclerosis; VCP-Related Amyotrophic Lateral Sclerosis/Frontotemporal Dementia. Identifiers: Orphanet 275872, Orphanet 803, MedGen C5436279, MONDO:0013501, OMIM 613954.

Submissions (2):

Labcorp Genetics (formerly Invitae), Labcorp
Classification: Likely pathogenic for Inclusion body myopathy with Paget disease of bone and frontotemporal dementia; Frontotemporal dementia and/or amyotrophic lateral sclerosis 6. Last evaluated: 2022-11-29. Review status: criteria provided, single submitter. Criteria: Invitae Variant Classification Sherloc (09022015). Collection method: clinical testing. Allele origin: germline.
Comment: In summary, the currently available evidence indicates that the variant is pathogenic, but additional data are needed to prove that conclusively. Therefore, this variant has been classified as Likely Pathogenic. This variant disrupts the p.Arg95 amino acid residue in VCP. Other variant(s) that disrupt this residue have been determined to be pathogenic (PMID: 15034582, 20604808, 22270372, 22909335, 23333620, 25617006). This suggests that this residue is clinically significant, and that variants that disrupt this residue are likely to be disease-causing. Algorithms developed to predict the effect of sequence changes on RNA splicing suggest that this variant may disrupt the consensus splice site. Advanced modeling of protein sequence and biophysical properties (such as structural, functional, and spatial information, amino acid conservation, physicochemical variation, residue mobility, and thermodynamic stability) performed at Invitae indicates that this missense variant is expected to disrupt VCP protein function. ClinVar contains an entry for this variant (Variation ID: 595911). This variant has not been reported in the literature in individuals affected with VCP-related conditions. This variant is not present in population databases (gnomAD no frequency). This sequence change replaces arginine, which is basic and polar, with proline, which is neutral and non-polar, at codon 95 of the VCP protein (p.Arg95Pro).

Eurofins Ntd Llc (ga)
Classification: Uncertain significance. Last evaluated: 2018-01-25. Review status: criteria provided, single submitter. Criteria: EGL Classification Definitions 2015. Collection method: clinical testing. Allele origin: germline. Observed: 1 variant allele, 1 heterozygote.

Literature cited by the submitters: PubMed 15034582 (cited by Labcorp Genetics (formerly Invitae), Labcorp); PubMed 20604808 (cited by Labcorp Genetics (formerly Invitae), Labcorp); PubMed 22270372 (cited by Labcorp Genetics (formerly Invitae), Labcorp); PubMed 22909335 (cited by Labcorp Genetics (formerly Invitae), Labcorp); PubMed 23333620 (cited by Labcorp Genetics (formerly Invitae), Labcorp); PubMed 25617006 (cited by Labcorp Genetics (formerly Invitae), Labcorp).

NM_007126.5(VCP):c.284G>C (p.Arg95Pro)

Gene: VCP (valosin containing protein; minus strand). Cytogenetic location: 9p13.3.
Variant type: single nucleotide variant.
Coding change: c.284G>C on transcript NM_007126.5 (MANE Select); coding-DNA position 284, G replaced by C.
Protein change: p.Arg95Pro; replaces arginine 95 with proline.
Molecular consequence: missense variant.
Genome position (GRCh38, 1-based): chr9:35,067,909, C>G on the plus strand (G>C on the coding strand, the complement: VCP is on the minus strand). VCF-style: chr9-35067909-C-G. GRCh37 (hg19) VCF-style: chr9-35067906-C-G.
Other names: c.149G>C, p.Arg50Pro (NM_001354927.2, NM_001354928.2); short protein forms R95P, R50P.
Identifiers: ClinVar variation 595911 (VCV000595911.18), dbSNP rs758169026, ClinGen allele CA373293355.